The following is an entry in ClinVar:

NC_000016.10:g.(89784965_89791402)_(89792548_89795905)del

Gene: FANCA (FA complementation group A; minus strand). Cytogenetic location: 16q24.3.
Variant type: Deletion.
Identifiers: ClinVar variation 974307 (VCV000974307.1).

ClinVar aggregate classification (germline): Pathogenic (0 of 4 stars; one submission).

Conditions:
Fanconi anemia complementation group A (FANCA). Also called: Fanconi anemia, group A; FANCA-Related Fanconi Anemia. Identifiers: Orphanet 84, MedGen C3469521, MONDO:0009215, OMIM 227650.

Submission:

Leiden Open Variation Database
Classification: Pathogenic for Fanconi anemia complementation group A. Last evaluated: 2020-02-28. Review status: no assertion criteria provided. Collection method: curation. Allele origin: germline. Affected: yes.
Comment: Curator: Arleen D. Auerbach. Submitter to LOVD: Arleen D. Auerbach.